The following is an entry in ClinVar:

NM_002641.4(PIGA):c.154C>T (p.His52Tyr)

Gene: PIGA (phosphatidylinositol glycan anchor biosynthesis class A; minus strand). Cytogenetic location: Xp22.2.
Variant type: single nucleotide variant.
Coding change: c.154C>T on transcript NM_002641.4 (MANE Select); coding-DNA position 154, C replaced by T.
Protein change: p.His52Tyr; replaces histidine 52 with tyrosine.
Molecular consequence: missense variant. On other transcripts: non-coding transcript variant (1), intron variant (1).
Genome position (GRCh38, 1-based): chrX:15,331,777, G>A on the plus strand (C>T on the coding strand, the complement: PIGA is on the minus strand). VCF-style: chrX-15331777-G-A. GRCh37 (hg19) VCF-style: chrX-15349899-G-A.
Other names: c.13+3724C>T (NM_020473.3); short protein forms H52Y.
Identifiers: ClinVar variation 1998032 (VCV001998032.5), dbSNP rs2519331987, ClinGen allele CA412341129.

ClinVar aggregate classification (germline): Conflicting classifications of pathogenicity. Review status: criteria provided, conflicting classifications (1 of 4 stars). 2 submissions from 2 submitters: Likely pathogenic (1); Uncertain significance (1). Last evaluated 2024-07-30.

Conditions:
Multiple congenital anomalies-hypotonia-seizures syndrome 2 (MCAHS2). Also called: EPILEPTIC ENCEPHALOPATHY, EARLY INFANTILE, 20; GLYCOSYLPHOSPHATIDYLINOSITOL BIOSYNTHESIS DEFECT 4. Identifiers: Orphanet 300496, MedGen C3275508, MONDO:0010466, OMIM 300868.

Submissions (2):

GeneDx
Classification: Likely pathogenic. Last evaluated: 2024-07-30. Review status: criteria provided, single submitter. Criteria: GeneDx Variant Classification Process June 2021. Collection method: clinical testing. Allele origin: germline. Affected: yes.
Comment: Not observed at significant frequency in large population cohorts (gnomAD); In silico analysis supports that this missense variant has a deleterious effect on protein structure/function; This variant is associated with the following publications: (PMID: 32256299)

Labcorp Genetics (formerly Invitae), Labcorp
Classification: Uncertain significance for Multiple congenital anomalies-hypotonia-seizures syndrome 2. Last evaluated: 2024-03-21. Review status: criteria provided, single submitter. Criteria: Invitae Variant Classification Sherloc (09022015). Collection method: clinical testing. Allele origin: germline.
Comment: This sequence change replaces histidine, which is basic and polar, with tyrosine, which is neutral and polar, at codon 52 of the PIGA protein (p.His52Tyr). This variant is not present in population databases (gnomAD no frequency). This missense change has been observed in individual(s) with PIGN-related conditions (PMID: 32256299). ClinVar contains an entry for this variant (Variation ID: 1998032). Advanced modeling of protein sequence and biophysical properties (such as structural, functional, and spatial information, amino acid conservation, physicochemical variation, residue mobility, and thermodynamic stability) performed at Invitae indicates that this missense variant is expected to disrupt PIGA protein function with a positive predictive value of 95%. In summary, the available evidence is currently insufficient to determine the role of this variant in disease. Therefore, it has been classified as a Variant of Uncertain Significance.

Literature cited by the submitters: PubMed 32256299 (cited by Labcorp Genetics (formerly Invitae), Labcorp).